The following is an entry in ClinVar:

ClinVar aggregate classification (germline): Likely benign (1 of 4 stars; one submission).

gnomAD v4.1: 12 of 1,598,940 alleles (0.00075%); highest among the groups gnomAD compares: Admixed American, 0.0017%; no homozygotes.

Submission:

CeGaT Center for Human Genetics Tuebingen
Classification: Likely benign. Last evaluated: 2026-03-01. Review status: criteria provided, single submitter. Criteria: CeGaT Center For Human Genetics Tuebingen Variant Classification Criteria Version 2. Collection method: clinical testing. Allele origin: germline. Affected: yes. Observed: 1 variant allele.
Comment: MEIS2: BP4

NM_170675.5(MEIS2):c.387+8C>T

Gene: MEIS2 (Meis homeobox 2; minus strand). Cytogenetic location: 15q14.
Variant type: single nucleotide variant.
Coding change: c.387+8C>T on transcript NM_170675.5 (MANE Select); 8 bases into the intron after coding-DNA position 387, C replaced by T.
Molecular consequence: intron variant.
Genome position (GRCh38, 1-based): chr15:37,096,281, G>A on the plus strand (C>T on the coding strand, the complement: MEIS2 is on the minus strand). VCF-style: chr15-37096281-G-A. GRCh37 (hg19) VCF-style: chr15-37388482-G-A.
Other names: c.348+8C>T (NM_002399.4, NM_172315.3); c.387+8C>T (NM_001220482.2, NM_170676.5, NM_170674.5 and 1 more transcripts); c.123+8C>T (NM_172316.3).
Identifiers: ClinVar variation 4822614 (VCV004822614.4).